The following is an entry in ClinVar:

ClinVar aggregate classification (germline): Conflicting classifications of pathogenicity. Review status: criteria provided, conflicting classifications (1 of 4 stars). 9 submissions from 8 submitters: Uncertain significance (6); Benign (1). 2 of the submissions do not count toward it. Last evaluated 2024-11-22.

Conditions:
Premature ovarian failure 2B. Identifiers: MedGen C1845105, MONDO:0010373, OMIM 300604.
Premature menopause. Identifiers: MedGen C0025322, MONDO:0001119.

Allele frequency attached by ClinVar (database versions not stated): TOPMed 0.00458; ExAC 0.00272; 1000 Genomes Project 30x 0.00271; gnomAD exomes 0.00271; gnomAD 0.00343 and 0.00354; 1000 Genomes Project 0.00291.
gnomAD v4.1: 2,710 of 1,178,639 alleles (0.23%); highest among the groups gnomAD compares: Middle Eastern, 1.4%; 5 homozygotes.

Submissions (9):

Illumina Laboratory Services, Illumina
Classification: Uncertain significance for Premature ovarian failure 2B. Last evaluated: 2024-11-22. Review status: criteria provided, single submitter. Criteria: ICSLVariantClassificationCriteria RUGD 01 April 2020. Collection method: clinical testing. Allele origin: unknown.
Comment: The POF1B c.986G>A (p.Arg329Gln) missense variant has been identified in individuals with premature ovarian failure and was shown to segregate with disease in one family (PMID:16773570; 15459172; 25676666). The highest frequency of this allele in the Genome Aggregation Database is 0.01419 in the Middle Eastern population, which includes two homozygotes (version 4.1.0). An additional 3 homozygotes are reported in the total population. Functional studies suggest that this variant impacts protein function (PMID: 16773570; 21940798). Multiple lines of computational evidence suggest the variant may not impact the gene or gene product. Based on the evidence the c.986G>A (p.Arg329Gln) variant is classified as a variant of uncertain significance for premature ovarian failure.

Genomic Medicine Center of Excellence, King Faisal Specialist Hospital and Research Centre
Classification: Uncertain significance for Premature ovarian failure 2B. Last evaluated: 2024-04-04. Review status: criteria provided, single submitter. Criteria: ACMG Guidelines, 2015. Collection method: clinical testing. Allele origin: germline.

Department of Pathology and Laboratory Medicine, Sinai Health System
Classification: Uncertain significance for Premature ovarian failure 2B. Last evaluated: 2023-07-10. Review status: criteria provided, single submitter. Criteria: ACMG Guidelines, 2015. Collection method: research. Allele origin: germline.

Revvity Omics, Revvity
Classification: Uncertain significance for Premature ovarian failure 2B. Last evaluated: 2020-03-19. Review status: criteria provided, single submitter. Criteria: ACMG Guidelines, 2015. Collection method: clinical testing. Allele origin: germline.

Labcorp Genetics (formerly Invitae), Labcorp
Classification: Benign. Last evaluated: 2018-06-15. Review status: criteria provided, single submitter. Criteria: Invitae Variant Classification Sherloc (09022015). Collection method: clinical testing. Allele origin: germline.

Centre for Mendelian Genomics, University Medical Centre Ljubljana
Classification: Uncertain significance for Premature ovarian insufficiency. Last evaluated: 2017-01-01. Review status: criteria provided, single submitter. Criteria: ACMG Guidelines, 2015. Collection method: clinical testing. Allele origin: unknown. Affected: yes.

Centre for Mendelian Genomics, University Medical Centre Ljubljana
Classification: Uncertain significance for Premature ovarian failure 2B. Last evaluated: 2016-01-01. Review status: criteria provided, single submitter. Criteria: ACMG Guidelines, 2015. Collection method: clinical testing. Allele origin: unknown. Affected: yes.
Comment: This variant was classified as: Uncertain significance.

Reproductive Development, Murdoch Childrens Research Institute
Classification: Likely pathogenic for Premature ovarian failure 2B. Last evaluated: 2021-02-09. Review status: flagged submission. Collection method: research. Allele origin: unknown. Affected: yes. Not counted in ClinVar's aggregate classification.
ClinVar note: Reason: Claim with insufficient supporting evidence

OMIM
Classification: Pathogenic for PREMATURE OVARIAN FAILURE 2B (1 family). Last evaluated: 2006-07-01. Review status: flagged submission. Collection method: literature only. Allele origin: germline. Not counted in ClinVar's aggregate classification.
ClinVar note: Reason: Claim with insufficient supporting evidence

Literature cited by the submitters: PubMed 16773570 (cited by OMIM).

NM_024921.4(POF1B):c.986G>A (p.Arg329Gln)

Gene: POF1B (POF1B actin binding protein; minus strand). Cytogenetic location: Xq21.1.
Variant type: single nucleotide variant.
Coding change: c.986G>A on transcript NM_024921.4 (MANE Select); coding-DNA position 986, G replaced by A.
Protein change: p.Arg329Gln; replaces arginine 329 with glutamine.
Molecular consequence: missense variant.
Genome position (GRCh38, 1-based): chrX:85,308,188, C>T on the plus strand (G>A on the coding strand, the complement: POF1B is on the minus strand). VCF-style: chrX-85308188-C-T. GRCh37 (hg19) VCF-style: chrX-84563194-C-T.
Other names: c.986G>A, p.Arg329Gln (NM_001307940.2); short protein forms R329Q.
Identifiers: ClinVar variation 10794 (VCV000010794.47), dbSNP rs75398746, ClinGen allele CA121177.